The following is an entry in ClinVar:

ClinVar aggregate classification (germline): Uncertain significance (1 of 4 stars; one submission).

Submission:

GeneDx
Classification: Uncertain significance. Last evaluated: 2024-06-17. Review status: criteria provided, single submitter. Criteria: GeneDx Variant Classification Process June 2021. Collection method: clinical testing. Allele origin: germline. Affected: yes.
Comment: Not observed at significant frequency in large population cohorts (gnomAD); In silico analysis supports that this missense variant has a deleterious effect on protein structure/function; Has not been previously published as pathogenic or benign to our knowledge

NM_173495.3(PTCHD1):c.1938A>T (p.Arg646Ser)

Gene: PTCHD1 (patched domain containing 1; plus strand). Cytogenetic location: Xp22.11.
Variant type: single nucleotide variant.
Coding change: c.1938A>T on transcript NM_173495.3 (MANE Select); coding-DNA position 1938, A replaced by T.
Protein change: p.Arg646Ser; replaces arginine 646 with serine.
Molecular consequence: missense variant.
Genome position (GRCh38, 1-based): chrX:23,393,456, A>T. VCF-style: chrX-23393456-A-T. GRCh37 (hg19) VCF-style: chrX-23411573-A-T.
Other names: short protein forms R646S.
Identifiers: ClinVar variation 3391568 (VCV003391568.1).